The following is an entry in ClinVar:

NM_006514.4(SCN10A):c.4446C>G (p.Ile1482Met)

Gene: SCN10A (sodium voltage-gated channel alpha subunit 10; minus strand). Cytogenetic location: 3p22.2.
Variant type: single nucleotide variant.
Coding change: c.4446C>G on transcript NM_006514.4 (MANE Select); coding-DNA position 4446, C replaced by G.
Protein change: p.Ile1482Met; replaces isoleucine 1482 with methionine.
Molecular consequence: missense variant.
Genome position (GRCh38, 1-based): chr3:38,702,050, G>C on the plus strand (C>G on the coding strand, the complement: SCN10A is on the minus strand). VCF-style: chr3-38702050-G-C. GRCh37 (hg19) VCF-style: chr3-38743541-G-C.
Other names: c.4443C>G, p.Ile1481Met (NM_001293306.2); c.4152C>G, p.Ile1384Met (NM_001293307.2); short protein forms I1481M, I1384M, I1482M.
Identifiers: ClinVar variation 3703503 (VCV003703503.2).

ClinVar aggregate classification (germline): Uncertain significance (1 of 4 stars; one submission).

Conditions:
Brugada syndrome. Also called: Sudden unexpected nocturnal death syndrome; Sudden Unexplained Death Syndrome; Sudden Unexplained Nocturnal Death Syndrome (SUNDS); Sudden unexplained nocturnal death syndrome. Identifiers: Orphanet 130, MedGen C1142166, MONDO:0015263.

gnomAD v4.1: 3 of 1,601,166 alleles (0.00019%); highest among the groups gnomAD compares: Non-Finnish European, 0.00026%; no homozygotes.

Submission:

Labcorp Genetics (formerly Invitae), Labcorp
Classification: Uncertain significance for Brugada syndrome. Last evaluated: 2024-12-08. Review status: criteria provided, single submitter. Criteria: Invitae Variant Classification Sherloc (09022015). Collection method: clinical testing. Allele origin: germline.
Comment: This sequence change replaces isoleucine, which is neutral and non-polar, with methionine, which is neutral and non-polar, at codon 1482 of the SCN10A protein (p.Ile1482Met). This variant is not present in population databases (gnomAD no frequency). This variant has not been reported in the literature in individuals affected with SCN10A-related conditions. Invitae Evidence Modeling of protein sequence and biophysical properties (such as structural, functional, and spatial information, amino acid conservation, physicochemical variation, residue mobility, and thermodynamic stability) indicates that this missense variant is expected to disrupt SCN10A protein function with a positive predictive value of 80%. In summary, the available evidence is currently insufficient to determine the role of this variant in disease. Therefore, it has been classified as a Variant of Uncertain Significance.